The following is an entry in ClinVar:

NM_017534.6(MYH2):c.2074C>T (p.His692Tyr)

Genes: MYH2 (myosin heavy chain 2; minus strand), MYHAS (myosin heavy chain gene cluster antisense RNA; plus strand). Cytogenetic location: 17p13.1.
Variant type: single nucleotide variant.
Coding change: c.2074C>T on transcript NM_017534.6 (MANE Select); coding-DNA position 2074, C replaced by T.
Protein change: p.His692Tyr; replaces histidine 692 with tyrosine.
Molecular consequence: missense variant.
Genome position (GRCh38, 1-based): chr17:10,535,179, G>A on the plus strand (C>T on the coding strand, the complement: MYH2 is on the minus strand). VCF-style: chr17-10535179-G-A. GRCh37 (hg19) VCF-style: chr17-10438496-G-A.
Other names: c.2074C>T, p.His692Tyr (NM_001100112.2); short protein forms H692Y.
Identifiers: ClinVar variation 1988207 (VCV001988207.4), dbSNP rs778383764, ClinGen allele CA8391215.

ClinVar aggregate classification (germline): Uncertain significance (1 of 4 stars; one submission).

Conditions:
Myopathy, proximal, and ophthalmoplegia (CMYO6). Also called: MYOPATHY WITH CONGENITAL JOINT CONTRACTURES, OPHTHALMOPLEGIA, AND RIMMED VACUOLES; INCLUSION BODY MYOPATHY 3, AUTOSOMAL DOMINANT; CONGENITAL MYOPATHY 6 WITH OPHTHALMOPLEGIA. Identifiers: Orphanet 363677, Orphanet 79091, MedGen C1854106, MONDO:0011577, OMIM 605637.

Allele frequency attached by ClinVar (database versions not stated): ExAC 0.00001; gnomAD 0.00001; TOPMed 0.00002.
gnomAD v4.1: 2 of 1,614,028 alleles (0.00012%); highest among the groups gnomAD compares: African/African-American, 0.0027%; no homozygotes.

Submission:

Labcorp Genetics (formerly Invitae), Labcorp
Classification: Uncertain significance for Myopathy, proximal, and ophthalmoplegia. Last evaluated: 2023-07-10. Review status: criteria provided, single submitter. Criteria: Invitae Variant Classification Sherloc (09022015). Collection method: clinical testing. Allele origin: germline.
Comment: ClinVar contains an entry for this variant (Variation ID: 1988207). In summary, the available evidence is currently insufficient to determine the role of this variant in disease. Therefore, it has been classified as a Variant of Uncertain Significance. Advanced modeling of protein sequence and biophysical properties (such as structural, functional, and spatial information, amino acid conservation, physicochemical variation, residue mobility, and thermodynamic stability) performed at Invitae indicates that this missense variant is expected to disrupt MYH2 protein function. This variant has not been reported in the literature in individuals affected with MYH2-related conditions. This variant is present in population databases (rs778383764, gnomAD 0.007%). This sequence change replaces histidine, which is basic and polar, with tyrosine, which is neutral and polar, at codon 692 of the MYH2 protein (p.His692Tyr).